The following is an entry in ClinVar:

NM_000222.3(KIT):c.745G>C (p.Glu249Gln)

Gene: KIT (KIT proto-oncogene, receptor tyrosine kinase; plus strand). Cytogenetic location: 4q12.
Variant type: single nucleotide variant.
Coding change: c.745G>C on transcript NM_000222.3 (MANE Select); coding-DNA position 745, G replaced by C.
Protein change: p.Glu249Gln; replaces glutamic acid 249 with glutamine.
Molecular consequence: missense variant.
Genome position (GRCh38, 1-based): chr4:54,699,755, G>C. VCF-style: chr4-54699755-G-C. GRCh37 (hg19) VCF-style: chr4-55565921-G-C.
Other names: c.745G>C, p.Glu249Gln (NM_001093772.2, NM_001385284.1, NM_001385285.1 and 4 more transcripts); short protein forms E249Q.
Identifiers: ClinVar variation 3721294 (VCV003721294.2).

ClinVar aggregate classification (germline): Uncertain significance (1 of 4 stars; one submission).

Conditions:
Gastrointestinal stromal tumor. Also called: Gastrointestinal stromal tumor, somatic; Gastrointestinal stroma tumor. Identifiers: Orphanet 44890, MedGen C0238198, MeSH D046152, MONDO:0011719, OMIM 606764, HP:0100723.

Submission:

Labcorp Genetics (formerly Invitae), Labcorp
Classification: Uncertain significance for Gastrointestinal stromal tumor. Last evaluated: 2024-09-22. Review status: criteria provided, single submitter. Criteria: Invitae Variant Classification Sherloc (09022015). Collection method: clinical testing. Allele origin: germline.
Comment: This sequence change replaces glutamic acid, which is acidic and polar, with glutamine, which is neutral and polar, at codon 249 of the KIT protein (p.Glu249Gln). This variant is not present in population databases (gnomAD no frequency). This variant has not been reported in the literature in individuals affected with KIT-related conditions. An algorithm developed to predict the effect of missense changes on protein structure and function (PolyPhen-2) suggests that this variant is likely to be tolerated. In summary, the available evidence is currently insufficient to determine the role of this variant in disease. Therefore, it has been classified as a Variant of Uncertain Significance.